The following is an entry in ClinVar:

ClinVar aggregate classification (germline): Uncertain significance. Review status: criteria provided, multiple submitters, no conflicts (2 of 4 stars). 2 submissions from 2 submitters: Uncertain significance (2). Last evaluated 2024-10-01.

Conditions:
Leber congenital amaurosis (LCA). Also called: Leber's amaurosis. Identifiers: Orphanet 65, MedGen C0339527, MeSH D057130, MONDO:0018998.
Bardet-Biedl syndrome (BBS). Identifiers: Orphanet 110, MedGen C0752166, MONDO:0015229.

Submissions (2):

Lab De Baere, Eye and Developmental Genetics Lab, Ghent University
Classification: Uncertain significance for Leber congenital amaurosis. Last evaluated: 2024-10-01. Review status: criteria provided, single submitter. Criteria: ACMG Guidelines, 2015. Collection method: research. Allele origin: inherited. Affected: yes. Observed: 1 variant allele.
Comment: ACMG/AMP guidelines: PM2, BP4, PM3_PP

Labcorp Genetics (formerly Invitae), Labcorp
Classification: Uncertain significance for Bardet-Biedl syndrome. Last evaluated: 2022-08-28. Review status: criteria provided, single submitter. Criteria: Invitae Variant Classification Sherloc (09022015). Collection method: clinical testing. Allele origin: germline.
Comment: This sequence change replaces leucine, which is neutral and non-polar, with valine, which is neutral and non-polar, at codon 444 of the TTC8 protein (p.Leu444Val). This variant is not present in population databases (gnomAD no frequency). This variant has not been reported in the literature in individuals affected with TTC8-related conditions. Algorithms developed to predict the effect of missense changes on protein structure and function are either unavailable or do not agree on the potential impact of this missense change (SIFT: "Tolerated"; PolyPhen-2: "Possibly Damaging"; Align-GVGD: "Class C0"). In summary, the available evidence is currently insufficient to determine the role of this variant in disease. Therefore, it has been classified as a Variant of Uncertain Significance.

NM_144596.4(TTC8):c.1360T>G (p.Leu454Val)

Gene: TTC8 (tetratricopeptide repeat domain 8; plus strand). Cytogenetic location: 14q31.3.
Variant type: single nucleotide variant.
Coding change: c.1360T>G on transcript NM_144596.4 (MANE Select); coding-DNA position 1360, T replaced by G.
Protein change: p.Leu454Val; replaces leucine 454 with valine.
Molecular consequence: missense variant. On other transcripts: non-coding transcript variant (1), intron variant (2).
Genome position (GRCh38, 1-based): chr14:88,875,038, T>G. VCF-style: chr14-88875038-T-G. GRCh37 (hg19) VCF-style: chr14-89341382-T-G.
Other names: c.1408T>G, p.Leu470Val (NM_001288781.1); c.766T>G, p.Leu256Val (NM_001288782.1); c.643T>G, p.Leu215Val (NM_001288783.1); c.1330T>G, p.Leu444Val (NM_198309.3); c.1240T>G, p.Leu414Val (NM_198310.3); c.1318-2256T>G (NM_001366535.2); c.1228-2256T>G (NM_001366536.2); short protein forms L414V, L215V, L256V, L444V, L454V, L470V.
Identifiers: ClinVar variation 1939140 (VCV001939140.6), dbSNP rs2546242910, ClinGen allele CA390553904.
Genomic context (GRCh38, chr14:88,875,038, plus strand): 5'-ATATGTTCATACGCCTTTGGTTTTTCTTTTCTTTATTTTTATACACAGGCAAGGGCACTA[T>G]TACAAACTGCATCATCATTAGCACCCCATATGTATGAACCGCATTTTAATTTTGCAACAA-3'
Protein context (NP_653197.2, residues 444-464): KGHVEQARAL[Leu454Val]QTASSLAPHM